The following is an entry in ClinVar:

NM_001330640.2(DENND4C):c.4281A>G (p.Val1427=)

Gene: DENND4C (DENN domain containing 4C; plus strand). Cytogenetic location: 9p22.1.
Variant type: single nucleotide variant.
Coding change: c.4281A>G on transcript NM_001330640.2 (MANE Select); coding-DNA position 4281, A replaced by G.
Protein change: p.Val1427=; no amino-acid change (valine 1427 retained).
Molecular consequence: synonymous variant. On other transcripts: non-coding transcript variant (14), intron variant (2).
Genome position (GRCh38, 1-based): chr9:19,347,050, A>G. VCF-style: chr9-19347050-A-G. GRCh37 (hg19) VCF-style: chr9-19347048-A-G.
Other names: c.2775A>G, p.Val925= (NM_001386039.1, NM_001386032.1, NM_001386034.1); c.4263A>G, p.Val1421= (NM_001386040.1); c.4074A>G, p.Val1358= (NM_001386041.1, NM_001386037.1); c.4134A>G, p.Val1378= (NM_001386042.1, NM_017925.7); c.3573A>G, p.Val1191= (NM_001386043.1, NM_001386044.1, NM_001386048.1); c.4281A>G, p.Val1427= (NM_001386045.1, NM_001386047.1, NM_001386026.2); c.4029A>G, p.Val1343= (NM_001386030.1); c.2586A>G, p.Val862= (NM_001386031.1); and 4 more.
Identifiers: ClinVar variation 2659106 (VCV002659106.24), dbSNP rs768975276, ClinGen allele CA5003660.

ClinVar aggregate classification (germline): Likely benign (1 of 4 stars; one submission).

Allele frequency attached by ClinVar (database versions not stated): ExAC 0.00002; gnomAD 0.00002; gnomAD exomes 0.00003; TOPMed 0.00005.
gnomAD v4.1: 50 of 1,613,968 alleles (0.0031%); highest among the groups gnomAD compares: Non-Finnish European, 0.0042%; no homozygotes.

Submission:

CeGaT Center for Human Genetics Tuebingen
Classification: Likely benign. Last evaluated: 2023-02-01. Review status: criteria provided, single submitter. Criteria: CeGaT Center For Human Genetics Tuebingen Variant Classification Criteria Version 2. Collection method: clinical testing. Allele origin: germline. Affected: yes. Observed: 1 variant allele.
Comment: DENND4C: BP4, BP7